The following is an entry in ClinVar:

NC_000004.11:g.(?_17510874)_(17513677_?)del

Gene: QDPR (quinoid dihydropteridine reductase; minus strand). Cytogenetic location: 4p15.32.
Variant type: Deletion.
Identifiers: ClinVar variation 2422871 (VCV002422871.4).

ClinVar aggregate classification (germline): Pathogenic (1 of 4 stars; one submission).

Conditions:
Dihydropteridine reductase deficiency (HPABH4C). Also called: BH4-Deficient Hyperphenylalaninemia C; HYPERPHENYLALANINEMIA, TETRAHYDROBIOPTERIN-DEFICIENT, DUE TO DHPR DEFICIENCY; QDPR DEFICIENCY; QUINOID DIHYDROPTERIDINE REDUCTASE DEFICIENCY; Phenylketonuria II; Hyperphenylalaninemia due to dihydropteridine reductase deficiency. Identifiers: Orphanet 226, Orphanet 238583, MedGen C0268465, MONDO:0009862, OMIM 261630.

Submission:

Labcorp Genetics (formerly Invitae), Labcorp
Classification: Pathogenic for Dihydropteridine reductase deficiency. Last evaluated: 2022-06-29. Review status: criteria provided, single submitter. Criteria: Invitae Variant Classification Sherloc (09022015). Collection method: clinical testing. Allele origin: germline.
Comment: For these reasons, this variant has been classified as Pathogenic. This variant has not been reported in the literature in individuals affected with QDPR-related conditions. This variant is a gross deletion of the genomic region encompassing exon(s) 1-2 of the QDPR gene, which includes the initiator codon. This deletion extends beyond the assayed region for this gene and therefore may encompass additional genes. It is expected to result in an absent or disrupted protein product. Loss-of-function variants in QDPR are known to be pathogenic (PMID: 7627180, 11153907).

Literature cited by the submitters: PubMed 7627180; PubMed 11153907.